The following is an entry in ClinVar:

NM_015335.5(MED13L):c.6080T>A (p.Val2027Asp)

Gene: MED13L (mediator complex subunit 13L; minus strand). Cytogenetic location: 12q24.21.
Variant type: single nucleotide variant.
Coding change: c.6080T>A on transcript NM_015335.5 (MANE Select); coding-DNA position 6080, T replaced by A.
Protein change: p.Val2027Asp; replaces valine 2027 with aspartic acid.
Molecular consequence: missense variant.
Genome position (GRCh38, 1-based): chr12:115,969,085, A>T on the plus strand (T>A on the coding strand, the complement: MED13L is on the minus strand). VCF-style: chr12-115969085-A-T. GRCh37 (hg19) VCF-style: chr12-116406890-A-T.
Other names: short protein forms V2027D.
Identifiers: ClinVar variation 4530758 (VCV004530758.1).
Genomic context (GRCh38, chr12:115,969,085, plus strand): 5'-AGGTTCCCAGTCATTAATATGCCAATATCATTGTCCATATCATCTGGGAATGGAAGGTCA[A>T]CAAACATATCATCTAGAGGGAAGGGGGGAAAAAAAGCACAAAAATTAAAAAGATAGTCCA-3'
Protein context (NP_056150.1, residues 2017-2037): GFSPNNDDMF[Val2027Asp]DLPFPDDMDN

ClinVar aggregate classification (germline): Uncertain significance (1 of 4 stars; one submission).

Submission:

GeneDx
Classification: Uncertain significance. Last evaluated: 2025-05-23. Review status: criteria provided, single submitter. Criteria: GeneDx Variant Classification Process June 2021. Collection method: clinical testing. Allele origin: germline. Affected: yes.
Comment: Not observed at significant frequency in large population cohorts (gnomAD); In silico analysis suggests that this missense variant does not alter protein structure/function; Has not been previously published as pathogenic or benign to our knowledge